The following is an entry in ClinVar:

NM_000558.5(HBA1):c.113CCA[2] (p.Thr40del)

Genes: HBA1 (hemoglobin subunit alpha 1; plus strand), LOC106804613 (hemoglobin subunit alpha 1 recombination region; plus strand). Cytogenetic location: 16p13.3.
Variant type: Microsatellite.
Coding change: c.113CCA[2] on transcript NM_000558.5 (MANE Select); two copies in a row of the 3-base unit CCA starting at c.113; the reference has three copies in a row; one copy, 3 bases deleted; also written c.119_121del.
Protein change: p.Thr40del; deletes threonine 40.
Molecular consequence: inframe deletion.
Genome position (GRCh38, 1-based): chr16:176,952-176,954, CCA deleted; deleting any 3 consecutive bases within chr16:176,946-176,954 gives the same sequence; the position shown is the placement nearest the transcript's 3' end. VCF-style (leftmost placement, unchanged base first): chr16-176945-CCCA-C. GRCh37 (hg19) VCF-style: chr16-226944-CCCA-C.
Other names: c.119_121del (NM_000558.5); c.119_121delCCA (NM_000558.5, NM_000558.4); short protein forms T40del.
Identifiers: ClinVar variation 15858 (VCV000015858.9), dbSNP rs63751150, ClinGen allele CA125965.

ClinVar aggregate classification (germline): Pathogenic. Review status: criteria provided, multiple submitters, no conflicts (2 of 4 stars). 6 submissions from 6 submitters: Pathogenic (5). 1 of the submissions does not count toward it. Last evaluated 2025-10-24.

Conditions:
Methemoglobinemia, alpha type. Identifiers: MedGen C4693798, MONDO:0020835, OMIM 617973.
Erythrocytosis, familial, 7. Also called: ERYTHROCYTOSIS 7; ERYTHROCYTOSIS, ALPHA-GLOBIN TYPE; POLYCYTHEMIA, ALPHA-GLOBIN TYPE. Identifiers: MedGen C4693823, MONDO:0054802, OMIM 617981.
alpha Thalassemia. Also called: Alpha thalassemia spectrum. Identifiers: Orphanet 846, MedGen C0002312, MONDO:0011399, OMIM 604131.
Heinz body anemia. Also called: Heinz body hemolytic anemia. Identifiers: Orphanet 178330, MedGen C0700299, MONDO:0007705, OMIM 140700, HP:0005511.
Hemoglobin H disease (HBH). Also called: ALPHA-THALASSEMIA, HEMOGLOBIN H TYPE; HEMOGLOBIN H DISEASE, DELETIONAL; Hemoglobin H (HbH) Disease. Identifiers: Orphanet 93616, MedGen C3161174, MONDO:0013512, OMIM 613978. Disease mechanism: loss of function.
HEMOGLOBIN TAYBE.

Submissions (6):

Natera, Inc.
Classification: Pathogenic for Alpha thalassemia. Last evaluated: 2025-10-24. Review status: criteria provided, single submitter. Criteria: Natera Variant Classification Schema (03/2026). Collection method: clinical testing. Allele origin: germline.
Comment: The c.119_121delCCA variant in HBA1 is an in-frame deletion predicted to remove threonine at amino acid 40 while preserving the reading frame. This variant is rare in the general population with a frequency below the threshold expected for the associated phenotype(s). This variant has been observed in one or more individuals affected with the associated recessive disease, as either homozygous or compound heterozygous with a second variant (PMID: 11074535). This variant results in a change to the protein length while preserving reading frame, which may disrupt normal protein structure or function. Computational prediction algorithms indicate this variant is likely to affect gene or protein function. Given the available evidence, this variant is classified as Pathogenic.

Center for Genomic Medicine, Rigshospitalet, Copenhagen University Hospital
Classification: Pathogenic. Last evaluated: 2025-03-04. Review status: criteria provided, single submitter. Criteria: ACMG Guidelines, 2015. Collection method: clinical testing. Allele origin: germline.

Fulgent Genetics
Classification: Pathogenic for Heinz body anemia; alpha Thalassemia; Hemoglobin H disease; Methemoglobinemia, alpha type; Erythrocytosis, familial, 7. Last evaluated: 2024-02-13. Review status: criteria provided, single submitter. Criteria: ACMG Guidelines, 2015. Collection method: clinical testing. Allele origin: germline.

GeneDx
Classification: Pathogenic. Last evaluated: 2023-06-26. Review status: criteria provided, single submitter. Criteria: GeneDx Variant Classification Process June 2021. Collection method: clinical testing. Allele origin: germline. Affected: yes.
Comment: Heterozygous carriers are asymptomatic but may have mild anemia on clinical evaluation (Koren et al., 2016); In-frame deletion of 1 amino acid in a non-repeat region; Not observed at significant frequency in large population cohorts (gnomAD); This variant is associated with the following publications: (PMID: 28160324, 7942784, 23181750, 26519868, 7994622, 24716903, 18654887, 9576334, Aghayev2022b[abstract], 22428534, 15224363)

Juno Genomics, Hangzhou Juno Genomics, Inc
Classification: Pathogenic for Erythrocytosis, familial, 7; Heinz body anemia; Hemoglobin H disease; Methemoglobinemia, alpha type; alpha Thalassemia. Review status: criteria provided, single submitter. Criteria: ACMG Guidelines, 2015. Collection method: clinical testing. Allele origin: germline.
Comment: Protein length changes due to in-frame deletions/insertions in a non-repeat region or stop-loss variants.;For recessive disorders, detected in trans with a pathogenic variant.

OMIM
Classification: other for HEMOGLOBIN TAYBE. Last evaluated: 2016-07-20. Review status: no assertion criteria provided. Collection method: literature only. Allele origin: germline. Not counted in ClinVar's aggregate classification.

Literature cited by the submitters: PubMed 11074535 (cited by Natera, Inc.); PubMed 7994622 (cited by Center for Genomic Medicine, Rigshospitalet, Copenhagen University Hospital); PubMed 28160324 (cited by Center for Genomic Medicine, Rigshospitalet, Copenhagen University Hospital); PubMed 23181750 (cited by Center for Genomic Medicine, Rigshospitalet, Copenhagen University Hospital); Girodon, E., M'Rad, A., Martin, J., Goossens, M., Galacteros, F., Rosa, J., Gisselbrecht, C., Boiron, M., Cohen, I. J., Jaber, L., Tamari, H., Goshen, J., Zaizov, R., Wajcman, H. Hb Taybe (alpha 38 or 39 THR deleted): a new unstable alpha chain hemoglobin variant. (Abstract) Blood 80 (suppl. 1): 388a, 1992. (cited by OMIM).